The following is an entry in ClinVar:

ClinVar aggregate classification (germline): Uncertain significance. Review status: criteria provided, multiple submitters, no conflicts (2 of 4 stars). 2 submissions from 2 submitters: Uncertain significance (2). Last evaluated 2025-08-02.

Conditions:
Inborn genetic diseases. Identifiers: MedGen C0950123, MeSH D030342.

Allele frequency attached by ClinVar (database versions not stated): TOPMed below 0.00001.

Submissions (2):

Ambry Genetics
Classification: Uncertain significance for Inborn genetic diseases. Last evaluated: 2025-08-02. Review status: criteria provided, single submitter. Criteria: Ambry Variant Classification Scheme 2023. Collection method: clinical testing. Allele origin: germline.

GeneDx
Classification: Uncertain significance. Last evaluated: 2017-06-21. Review status: criteria provided, single submitter. Criteria: GeneDx Variant Classification (06012015). Collection method: clinical testing. Allele origin: germline. Affected: yes.
Comment: The P265S variant in the CHAMP1 gene has not been reported previously as a pathogenic variant, nor as a benign variant, to our knowledge. This variant is not observed in large population cohorts (Lek et al., 2016; 1000 Genomes Consortium et al., 2015; Exome Variant Server). The P265S variant is a non-conservative amino acid substitution, which is likely to impact secondary protein structure as these residues differ in polarity, charge, size and/or other properties. This substitution occurs at a position that is conserved in mammals. In silico analysis predicts this variant is probably damaging to the protein structure/function. We interpret P265S as a variant of uncertain significance.

NM_032436.4(CHAMP1):c.793C>T (p.Pro265Ser)

Gene: CHAMP1 (chromosome alignment maintaining phosphoprotein 1; plus strand). Cytogenetic location: 13q34.
Variant type: single nucleotide variant.
Coding change: c.793C>T on transcript NM_032436.4 (MANE Select); coding-DNA position 793, C replaced by T.
Protein change: p.Pro265Ser; replaces proline 265 with serine.
Molecular consequence: missense variant.
Genome position (GRCh38, 1-based): chr13:114,324,635, C>T. VCF-style: chr13-114324635-C-T. GRCh37 (hg19) VCF-style: chr13-115090110-C-T.
Other names: c.793C>T (NM_032436.2); c.793C>T, p.Pro265Ser (NM_001164144.3, NM_001164145.3); short protein forms P265S.
Identifiers: ClinVar variation 432878 (VCV000432878.3), dbSNP rs1168082362, ClinGen allele CA388847146.
Genomic context (GRCh38, chr13:114,324,635, plus strand): 5'-CCAGAGTCACCAGTTCTAGCTGCTTCCCCAGAACCTTGGGGACCATCCCCAGCTGCATCT[C>T]CAGAATCTCGGAAGTCAGCCCGGACTACCTCCCCTGAGCCAAGGAAGCCATCCCCTTCAG-3'
Protein context (NP_115812.1, residues 255-275): EPWGPSPAAS[Pro265Ser]ESRKSARTTS